The following is an entry in ClinVar:

NM_024301.5(FKRP):c.1379A>G (p.Gln460Arg)

Gene: FKRP (fukutin related protein; plus strand). Cytogenetic location: 19q13.32.
Variant type: single nucleotide variant.
Coding change: c.1379A>G on transcript NM_024301.5 (MANE Select); coding-DNA position 1379, A replaced by G.
Protein change: p.Gln460Arg; replaces glutamine 460 with arginine.
Molecular consequence: missense variant.
Genome position (GRCh38, 1-based): chr19:46,756,829, A>G. VCF-style: chr19-46756829-A-G. GRCh37 (hg19) VCF-style: chr19-47260086-A-G.
Other names: c.1379A>G, p.Gln460Arg (NM_001039885.3); short protein forms Q460R.
Identifiers: ClinVar variation 1771228 (VCV001771228.3), dbSNP rs1036061592, ClinGen allele CA309100012.

ClinVar aggregate classification (germline): Uncertain significance (1 of 4 stars; one submission).

Conditions:
Cardiovascular phenotype. Identifiers: MedGen CN230736.

Allele frequency attached by ClinVar (database versions not stated): gnomAD exomes below 0.00001; gnomAD 0.00001; TOPMed 0.00001.

Submission:

Ambry Genetics
Classification: Uncertain significance for Cardiovascular phenotype. Last evaluated: 2023-04-16. Review status: criteria provided, single submitter. Criteria: Ambry Variant Classification Scheme 2023. Collection method: clinical testing. Allele origin: germline.
Comment: The p.Q460R variant (also known as c.1379A>G), located in coding exon 1 of the FKRP gene, results from an A to G substitution at nucleotide position 1379. The glutamine at codon 460 is replaced by arginine, an amino acid with highly similar properties. This amino acid position is not well conserved in available vertebrate species. In addition, this alteration is predicted to be tolerated by in silico analysis. Since supporting evidence is limited at this time, the clinical significance of this alteration remains unclear.